The following is an entry in ClinVar:

NM_000218.3(KCNQ1):c.1973C>A (p.Thr658Asn)

Genes: KCNQ1 (potassium voltage-gated channel subfamily Q member 1; plus strand), KCNQ1-AS1 (KCNQ1 antisense RNA 1; minus strand). Cytogenetic location: 11p15.4.
Variant type: single nucleotide variant.
Coding change: c.1973C>A on transcript NM_000218.3 (MANE Select); coding-DNA position 1973, C replaced by A.
Protein change: p.Thr658Asn; replaces threonine 658 with asparagine.
Molecular consequence: missense variant.
Genome position (GRCh38, 1-based): chr11:2,847,945, C>A. VCF-style: chr11-2847945-C-A. GRCh37 (hg19) VCF-style: chr11-2869175-C-A.
Other names: c.1877C>A, p.Thr626Asn (NM_001406836.1); c.1703C>A, p.Thr568Asn (NM_001406837.1); c.1433C>A, p.Thr478Asn (NM_001406838.1); c.485C>A, p.Thr162Asn (NM_001406839.1); c.1592C>A, p.Thr531Asn (NM_181798.2); short protein forms T658N, T531N, T568N, T626N, T478N, T162N.
Identifiers: ClinVar variation 304230 (VCV000304230.8), dbSNP rs377661455, ClinGen allele CA034061.
Genomic context (GRCh38, chr11:2,847,945, plus strand): 5'-TCACCCAGCCCTGCGGCAGTGGCGGCTCCGTCGACCCTGAGCTCTTCCTGCCCAGCAACA[C>A]CCTGCCCACCTACGAGCAGCTGACCGTGCCCAGGAGGGGCCCCGATGAGGGGTCCTGAGG-3'
Protein context (NP_000209.2, residues 648-668): VDPELFLPSN[Thr658Asn]LPTYEQLTVP

ClinVar aggregate classification (germline): Uncertain significance (1 of 4 stars; one submission).

Conditions:
Cardiac arrhythmia. Also called: Arrhythmia; Cardiac rhythm disease. Identifiers: MedGen C0003811, MONDO:0007263, HP:0011675.

Allele frequency attached by ClinVar (database versions not stated): ExAC below 0.00001; TOPMed below 0.00001; gnomAD 0.00001; gnomAD exomes 0.00001; ESP Exome Variant Server 0.00008.
gnomAD v4.1: 27 of 1,572,108 alleles (0.0017%); highest among the groups gnomAD compares: Non-Finnish European, 0.0022%; no homozygotes.

Submission:

Color Diagnostics, LLC DBA Color Health
Classification: Uncertain significance for Cardiac arrhythmia. Last evaluated: 2025-09-13. Review status: criteria provided, single submitter. Criteria: ACMG Guidelines, 2015. Collection method: clinical testing. Allele origin: germline.
Comment: This missense variant replaces threonine with asparagine at codon 658 of the KCNQ1 protein. Computational prediction suggests that this variant may not impact protein structure and function. To our knowledge, functional studies have not been reported for this variant. This variant has been reported in an individual affected with sudden unexpected death (PMID: 25639344). This variant has been identified in 1/187070 chromosomes in the general population by the Genome Aggregation Database (gnomAD). The available evidence is insufficient to determine the role of this variant in disease conclusively. Therefore, this variant is classified as a Variant of Uncertain Significance.

Literature cited by the submitters: PubMed 25639344.